The following is an entry in ClinVar:

NM_000393.5(COL5A2):c.2715+16G>A

Gene: COL5A2 (collagen type V alpha 2 chain; minus strand). Cytogenetic location: 2q32.2.
Variant type: single nucleotide variant.
Coding change: c.2715+16G>A on transcript NM_000393.5 (MANE Select); 16 bases into the intron after coding-DNA position 2715, G replaced by A.
Molecular consequence: intron variant.
Genome position (GRCh38, 1-based): chr2:189,052,733, C>T on the plus strand (G>A on the coding strand, the complement: COL5A2 is on the minus strand). VCF-style: chr2-189052733-C-T. GRCh37 (hg19) VCF-style: chr2-189917459-C-T.
Identifiers: ClinVar variation 512451 (VCV000512451.7), dbSNP rs774654781, ClinGen allele CA2022223.
Genomic context (GRCh38, chr2:189,052,733, plus strand): 5'-ATCTTTTACATGACCAGGAAGCACTAGGTAACTAGAATTAGCTGTGCATACTTTGCAGAG[C>T]ATCAAATAAACTTACAGGCGGACCTTGGGTTCCTCGACCACCTTTTAGTCCAGGAACACC-3'

ClinVar aggregate classification (germline): Likely benign. Review status: criteria provided, multiple submitters, no conflicts (2 of 4 stars). 3 submissions from 3 submitters: Likely benign (3). Last evaluated 2026-01-25.

Conditions:
Ehlers-Danlos syndrome, classic type, 1 (EDSCL1). Also called: Ehlers-Danlos Syndrome, Classic Type, COL5A1-Related; EDS I; Ehlers-Danlos syndrome, type 1; EHLERS-DANLOS SYNDROME, GRAVIS TYPE; EHLERS-DANLOS SYNDROME, SEVERE CLASSIC TYPE. Identifiers: MedGen C0268335, MONDO:0019567, OMIM 130000.

Allele frequency attached by ClinVar (database versions not stated): ExAC 0.00001; gnomAD 0.00001; TOPMed 0.00002; gnomAD exomes 0.00004 and 0.00001.
gnomAD v4.1: 67 of 1,613,308 alleles (0.0042%); highest among the groups gnomAD compares: Non-Finnish European, 0.0053%; no homozygotes.

Submissions (3):

Labcorp Genetics (formerly Invitae), Labcorp
Classification: Likely benign for Ehlers-Danlos syndrome, classic type, 1. Last evaluated: 2026-01-25. Review status: criteria provided, single submitter. Criteria: Invitae Variant Classification Sherloc (09022015). Collection method: clinical testing. Allele origin: germline.

Women's Health and Genetics/Laboratory Corporation of America, LabCorp
Classification: Likely benign. Last evaluated: 2025-10-07. Review status: criteria provided, single submitter. Criteria: LabCorp Variant Classification Summary - May 2015. Collection method: clinical testing. Allele origin: germline.

GeneDx
Classification: Likely benign. Last evaluated: 2017-10-02. Review status: criteria provided, single submitter. Criteria: GeneDx Variant Classification (06012015). Collection method: clinical testing. Allele origin: germline. Affected: yes.
Comment: This variant is considered likely benign or benign based on one or more of the following criteria: it is a conservative change, it occurs at a poorly conserved position in the protein, it is predicted to be benign by multiple in silico algorithms, and/or has population frequency not consistent with disease.